The following is an entry in ClinVar:

ClinVar aggregate classification (germline): Uncertain significance. Review status: criteria provided, multiple submitters, no conflicts (2 of 4 stars). 3 submissions from 3 submitters: Uncertain significance (3). Last evaluated 2025-03-22.

Conditions:
Epidermolysis bullosa simplex 5B, with muscular dystrophy (EBS5B). Also called: EPIDERMOLYSIS BULLOSA SIMPLEX AND LIMB-GIRDLE MUSCULAR DYSTROPHY; Epidermolysis bullosa simplex with muscular dystrophy. Identifiers: Orphanet 257, MedGen C2931072, MONDO:0009181, OMIM 226670.
Epidermolysis bullosa simplex 5C, with pyloric atresia (EBS5C). Also called: PLEC1-Related Epidermolysis Bullosa with Pyloric Atresia; PLEC-Related Epidermolysis Bullosa with Pyloric Atresia; Epidermolysis bullosa simplex with pyloric atresia. Identifiers: Orphanet 158684, MedGen C2677349, MONDO:0012807, OMIM 612138.
Epidermolysis bullosa simplex, Ogna type (EBS5A). Also called: Pidermolysis bullosa simplex 5A, Ogna type; EPIDERMOLYSIS BULLOSA SIMPLEX 5A, OGNA TYPE. Identifiers: Orphanet 79401, MedGen C0432317, MONDO:0007555, OMIM 131950.
Autosomal recessive limb-girdle muscular dystrophy type 2Q (LGMDR17). Also called: MUSCULAR DYSTROPHY, LIMB-GIRDLE, AUTOSOMAL RECESSIVE 17. Identifiers: Orphanet 254361, MedGen C3150989, MONDO:0013390, OMIM 613723.
Epidermolysis bullosa simplex with nail dystrophy (EBS5D). Identifiers: MedGen C4225309, MONDO:0014661, OMIM 616487.
Inborn genetic diseases. Identifiers: MedGen C0950123, MeSH D030342.

Allele frequency attached by ClinVar (database versions not stated): gnomAD exomes 0.00002; TOPMed 0.00002; gnomAD 0.00004 and 0.00005; ExAC 0.00005.
gnomAD v4.1: 37 of 1,573,178 alleles (0.0024%); highest among the groups gnomAD compares: East Asian, 0.007%; no homozygotes.

Submissions (3):

Ambry Genetics
Classification: Uncertain significance for Inborn genetic diseases. Last evaluated: 2025-03-22. Review status: criteria provided, single submitter. Criteria: Ambry Variant Classification Scheme 2023. Collection method: clinical testing. Allele origin: germline.

Labcorp Genetics (formerly Invitae), Labcorp
Classification: Uncertain significance for Autosomal recessive limb-girdle muscular dystrophy type 2Q; Epidermolysis bullosa simplex, Ogna type; Epidermolysis bullosa simplex with nail dystrophy; Epidermolysis bullosa simplex 5C, with pyloric atresia; Epidermolysis bullosa simplex 5B, with muscular dystrophy. Last evaluated: 2024-02-23. Review status: criteria provided, single submitter. Criteria: Invitae Variant Classification Sherloc (09022015). Collection method: clinical testing. Allele origin: germline.
Comment: This sequence change replaces alanine, which is neutral and non-polar, with valine, which is neutral and non-polar, at codon 2076 of the PLEC protein (p.Ala2076Val). The frequency data for this variant in the population databases is considered unreliable, as metrics indicate poor data quality at this position in the gnomAD database. This variant has not been reported in the literature in individuals affected with PLEC-related conditions. ClinVar contains an entry for this variant (Variation ID: 1486050). An algorithm developed to predict the effect of missense changes on protein structure and function (PolyPhen-2) suggests that this variant is likely to be tolerated. In summary, the available evidence is currently insufficient to determine the role of this variant in disease. Therefore, it has been classified as a Variant of Uncertain Significance.

Revvity Omics, Revvity
Classification: Uncertain significance. Last evaluated: 2023-03-15. Review status: criteria provided, single submitter. Criteria: ACMG Guidelines, 2015. Collection method: clinical testing. Allele origin: germline.

NM_201384.3(PLEC):c.6146C>T (p.Ala2049Val)

Gene: PLEC (plectin; minus strand). Cytogenetic location: 8q24.3.
Variant type: single nucleotide variant.
Coding change: c.6146C>T on transcript NM_201384.3 (MANE Select); coding-DNA position 6146, C replaced by T.
Protein change: p.Ala2049Val; replaces alanine 2049 with valine.
Molecular consequence: missense variant.
Genome position (GRCh38, 1-based): chr8:143,923,783, G>A on the plus strand (C>T on the coding strand, the complement: PLEC is on the minus strand). VCF-style: chr8-143923783-G-A. GRCh37 (hg19) VCF-style: chr8-144997951-G-A.
Other names: c.6227C>T, p.Ala2076Val (NM_000445.5); c.6104C>T, p.Ala2035Val (NM_201378.4); c.6080C>T, p.Ala2027Val (NM_201379.3); c.6557C>T, p.Ala2186Val (NM_201380.4); c.6050C>T, p.Ala2017Val (NM_201381.3); c.6146C>T, p.Ala2049Val (NM_201382.4); c.6158C>T, p.Ala2053Val (NM_201383.3); c.6227C>T (NM_000445.3); short protein forms A2035V, A2027V, A2053V, A2076V, A2186V, A2017V, A2049V.
Identifiers: ClinVar variation 1486050 (VCV001486050.11), dbSNP rs782448792, ClinGen allele CA4926094.